The following is an entry in ClinVar:

NM_138694.4(PKHD1):c.9991C>T (p.Gln3331Ter)

Gene: PKHD1 (PKHD1 ciliary IPT domain containing fibrocystin/polyductin; minus strand). Cytogenetic location: 6p12.3.
Variant type: single nucleotide variant.
Coding change: c.9991C>T on transcript NM_138694.4 (MANE Select); coding-DNA position 9991, C replaced by T.
Protein change: p.Gln3331Ter; replaces glutamine 3331 with a stop codon.
Molecular consequence: nonsense.
Genome position (GRCh38, 1-based): chr6:51,746,728, G>A on the plus strand (C>T on the coding strand, the complement: PKHD1 is on the minus strand). VCF-style: chr6-51746728-G-A. GRCh37 (hg19) VCF-style: chr6-51611526-G-A.
Other names: c.9991C>T, p.Gln3331Ter (NM_170724.3); c.9991C>T (NM_138694.3); short protein forms Q3331*.
Identifiers: ClinVar variation 3686099 (VCV003686099.3).

ClinVar aggregate classification (germline): Pathogenic/Likely pathogenic. Review status: criteria provided, multiple submitters, no conflicts (2 of 4 stars). 2 submissions from 2 submitters: Pathogenic (1); Likely pathogenic (1). Last evaluated 2025-11-03.

Conditions:
Autosomal recessive polycystic kidney disease (ARPKD). Also called: AR polycystic kidney disease. Identifiers: Orphanet 731, Orphanet 8378, MedGen C0085548, MeSH D017044, MONDO:0009889.

Submissions (2):

Labcorp Genetics (formerly Invitae), Labcorp
Classification: Pathogenic for Autosomal recessive polycystic kidney disease. Last evaluated: 2025-11-03. Review status: criteria provided, single submitter. Criteria: Invitae Variant Classification Sherloc (09022015). Collection method: clinical testing. Allele origin: germline.
Comment: This sequence change creates a premature translational stop signal (p.Gln3331*) in the PKHD1 gene. It is expected to result in an absent or disrupted protein product. Loss-of-function variants in PKHD1 are known to be pathogenic (PMID: 19940839). This variant is not present in population databases (gnomAD no frequency). This variant has not been reported in the literature in individuals affected with PKHD1-related conditions. ClinVar contains an entry for this variant (Variation ID: 3686099). For these reasons, this variant has been classified as Pathogenic.

Natera, Inc.
Classification: Likely pathogenic for Autosomal recessive polycystic kidney disease. Last evaluated: 2025-03-27. Review status: criteria provided, single submitter. Criteria: Natera Variant Classification Schema (03/2026). Collection method: clinical testing. Allele origin: germline.
Comment: The c.9991C>T variant in PKHD1 is a nonsense variant predicted to introduce a stop codon at amino acid 3331. This variant is expected to result in nonsense mediated decay, truncation, or a dysfunctional protein product. This variant is rare in the general population with a frequency below the threshold expected for the associated phenotype(s). Given the available evidence, this variant is classified as Likely Pathogenic.

Literature cited by the submitters: PubMed 19940839 (cited by Labcorp Genetics (formerly Invitae), Labcorp).